The following is an entry in ClinVar:

ClinVar aggregate classification (germline): Uncertain significance. Review status: criteria provided, multiple submitters, no conflicts (2 of 4 stars). 2 submissions from 2 submitters: Uncertain significance (2). Last evaluated 2023-06-14.

Conditions:
Cardiovascular phenotype. Identifiers: MedGen CN230736.
Alstrom syndrome (ALMS). Identifiers: Orphanet 64, MedGen C0268425, MONDO:0008763, OMIM 203800.

Submissions (2):

Ambry Genetics
Classification: Uncertain significance for Cardiovascular phenotype. Last evaluated: 2023-06-14. Review status: criteria provided, single submitter. Criteria: Ambry Variant Classification Scheme 2023. Collection method: clinical testing. Allele origin: germline.
Comment: The p.G1200A variant (also known as c.3599G>C), located in coding exon 8 of the ALMS1 gene, results from a G to C substitution at nucleotide position 3599. The glycine at codon 1200 is replaced by alanine, an amino acid with similar properties. This amino acid position is poorly conserved in available vertebrate species. In addition, this alteration is predicted to be tolerated by in silico analysis. Since supporting evidence is limited at this time, the clinical significance of this alteration remains unclear.

Labcorp Genetics (formerly Invitae), Labcorp
Classification: Uncertain significance for Alstrom syndrome. Last evaluated: 2022-02-23. Review status: criteria provided, single submitter. Criteria: Invitae Variant Classification Sherloc (09022015). Collection method: clinical testing. Allele origin: germline.
Comment: This sequence change replaces glycine, which is neutral and non-polar, with alanine, which is neutral and non-polar, at codon 1200 of the ALMS1 protein (p.Gly1200Ala). This variant is not present in population databases (gnomAD no frequency). This variant has not been reported in the literature in individuals affected with ALMS1-related conditions. Experimental studies and prediction algorithms are not available or were not evaluated, and the functional significance of this variant is currently unknown. In summary, the available evidence is currently insufficient to determine the role of this variant in disease. Therefore, it has been classified as a Variant of Uncertain Significance.

NM_001378454.1(ALMS1):c.3596G>C (p.Gly1199Ala)

Gene: ALMS1 (ALMS1 centrosome and basal body associated protein; plus strand). Cytogenetic location: 2p13.1.
Variant type: single nucleotide variant.
Coding change: c.3596G>C on transcript NM_001378454.1 (MANE Select); coding-DNA position 3596, G replaced by C.
Protein change: p.Gly1199Ala; replaces glycine 1199 with alanine.
Molecular consequence: missense variant.
Genome position (GRCh38, 1-based): chr2:73,450,123, G>C. VCF-style: chr2-73450123-G-C. GRCh37 (hg19) VCF-style: chr2-73677250-G-C.
Other names: c.3599G>C, p.Gly1200Ala (NM_015120.4); short protein forms G1199A, G1200A.
Identifiers: ClinVar variation 2193974 (VCV002193974.3), dbSNP rs1572934110, ClinGen allele CA347275995.
Genomic context (GRCh38, chr2:73,450,123, plus strand): 5'-ACCAGAAGACTTGGATACCAAGAGTACTTTCTACCTTCTACTCACAAAGAGAGAAACCTG[G>C]TATTTTCTATCAACAGACCTTGCCAGGTAGTCACATACCTGAAGAGGCACAGAAAGTTTC-3'
Protein context (NP_001365383.1, residues 1189-1209): STFYSQREKP[Gly1199Ala]IFYQQTLPGS